The following is an entry in ClinVar:

ClinVar aggregate classification (germline): Uncertain significance (1 of 4 stars; one submission).

Conditions:
Peroxisome biogenesis disorder, complementation group K (CGK). Identifiers: MedGen C1866257, MONDO:0800365.

Allele frequency attached by ClinVar (database versions not stated): gnomAD exomes 0.00001.
gnomAD v4.1: 14 of 1,507,580 alleles (0.00093%); highest among the groups gnomAD compares: Non-Finnish European, 0.0013%; no homozygotes.

Submission:

Labcorp Genetics (formerly Invitae), Labcorp
Classification: Uncertain significance for Peroxisome biogenesis disorder, complementation group K. Last evaluated: 2022-07-26. Review status: criteria provided, single submitter. Criteria: Invitae Variant Classification Sherloc (09022015). Collection method: clinical testing. Allele origin: germline.
Comment: This variant has not been reported in the literature in individuals affected with PEX14-related conditions. This sequence change falls in intron 7 of the PEX14 gene. It does not directly change the encoded amino acid sequence of the PEX14 protein. This variant is present in population databases (no rsID available, gnomAD 0.0009%). Algorithms developed to predict the effect of sequence changes on RNA splicing suggest that this variant may disrupt the consensus splice site. In summary, the available evidence is currently insufficient to determine the role of this variant in disease. Therefore, it has been classified as a Variant of Uncertain Significance.

NM_004565.3(PEX14):c.585+19C>T

Genes: PEX14 (peroxisomal biogenesis factor 14; plus strand), LOC126805616 (CDK7 strongly-dependent group 2 enhancer GRCh37_chr1:10683990-10685189; plus strand). Cytogenetic location: 1p36.22.
Variant type: single nucleotide variant.
Coding change: c.585+19C>T on transcript NM_004565.3 (MANE Select); 19 bases into the intron after coding-DNA position 585, C replaced by T.
Molecular consequence: intron variant.
Genome position (GRCh38, 1-based): chr1:10,624,456, C>T. VCF-style: chr1-10624456-C-T. GRCh37 (hg19) VCF-style: chr1-10684513-C-T.
Identifiers: ClinVar variation 2111819 (VCV002111819.4), dbSNP rs1159229053, ClinGen allele CA521146041.